The following is an entry in ClinVar:

ClinVar aggregate classification (germline): Uncertain significance. Review status: criteria provided, multiple submitters, no conflicts (2 of 4 stars). 4 submissions from 4 submitters: Uncertain significance (4). Last evaluated 2025-07-24.

Conditions:
Cranioectodermal dysplasia 1 (CED1). Also called: LEVIN SYNDROME I. Identifiers: Orphanet 1515, MedGen C0432235, MONDO:0021093, OMIM 218330.
IFT122-related disorder. Also called: IFT122-related condition.
Inborn genetic diseases. Identifiers: MedGen C0950123, MeSH D030342.

Allele frequency attached by ClinVar (database versions not stated): gnomAD exomes 0.00001 and 0.00004; ExAC 0.00006; ESP Exome Variant Server 0.00008; gnomAD 0.00014; TOPMed 0.00014.
gnomAD v4.1: 38 of 1,613,960 alleles (0.0024%); highest among the groups gnomAD compares: African/African-American, 0.045%; no homozygotes.

Submissions (4):

PreventionGenetics, part of Exact Sciences
Classification: Uncertain significance for IFT122-related condition. Last evaluated: 2025-07-24. Review status: criteria provided, single submitter. Criteria: ACMG Guidelines, 2015. Collection method: clinical testing. Allele origin: germline.
Comment: The IFT122 c.1583A>G variant is predicted to result in the amino acid substitution p.Lys528Arg. To our knowledge, this variant has not been reported in the literature. This variant is reported in 0.060% of alleles in individuals of African descent in gnomAD. Although we suspect that this variant may be benign, at this time, the clinical significance of this variant is uncertain due to the absence of conclusive functional and genetic evidence.

Ambry Genetics
Classification: Uncertain significance for Inborn genetic diseases. Last evaluated: 2024-10-20. Review status: criteria provided, single submitter. Criteria: Ambry Variant Classification Scheme 2023. Collection method: clinical testing. Allele origin: germline.

Fulgent Genetics
Classification: Uncertain significance for Cranioectodermal dysplasia 1. Last evaluated: 2022-04-06. Review status: criteria provided, single submitter. Criteria: ACMG Guidelines, 2015. Collection method: clinical testing. Allele origin: unknown.

Labcorp Genetics (formerly Invitae), Labcorp
Classification: Uncertain significance for Cranioectodermal dysplasia 1. Last evaluated: 2021-09-24. Review status: criteria provided, single submitter. Criteria: Invitae Variant Classification Sherloc (09022015). Collection method: clinical testing. Allele origin: germline.
Comment: This sequence change replaces lysine with arginine at codon 528 of the IFT122 protein (p.Lys528Arg). The lysine residue is highly conserved and there is a small physicochemical difference between lysine and arginine. This variant is present in population databases (rs141539693, ExAC 0.07%). This variant has not been reported in the literature in individuals with IFT122-related conditions. Algorithms developed to predict the effect of missense changes on protein structure and function are either unavailable or do not agree on the potential impact of this missense change (SIFT: "Tolerated"; PolyPhen-2: "Probably Damaging"; Align-GVGD: "Class C0"). Algorithms developed to predict the effect of sequence changes on RNA splicing suggest that this variant may create or strengthen a splice site, but this prediction has not been confirmed by published transcriptional studies. In summary, the available evidence is currently insufficient to determine the role of this variant in disease. Therefore, it has been classified as a Variant of Uncertain Significance.

NM_052989.3(IFT122):c.1430A>G (p.Lys477Arg)

Gene: IFT122 (intraflagellar transport 122; plus strand). Cytogenetic location: 3q21.3.
Variant type: single nucleotide variant.
Coding change: c.1430A>G on transcript NM_052989.3 (MANE Select); coding-DNA position 1430, A replaced by G.
Protein change: p.Lys477Arg; replaces lysine 477 with arginine.
Molecular consequence: missense variant.
Genome position (GRCh38, 1-based): chr3:129,479,864, A>G. VCF-style: chr3-129479864-A-G. GRCh37 (hg19) VCF-style: chr3-129198707-A-G.
Other names: c.1583A>G (NM_052985.2, NM_052985.3); c.1406A>G, p.Lys469Arg (NM_001280541.2); c.980A>G, p.Lys327Arg (NM_001280545.2); c.803A>G, p.Lys268Arg (NM_001280546.2); c.1253A>G, p.Lys418Arg (NM_018262.4); c.1583A>G, p.Lys528Arg (NM_052985.4); c.1097A>G, p.Lys366Arg (NM_052990.3); short protein forms K268R, K366R, K469R, K477R, K528R, K327R, K418R.
Identifiers: ClinVar variation 1358006 (VCV001358006.8), dbSNP rs141539693, ClinGen allele CA2606163.